The following is an entry in ClinVar:

ClinVar aggregate classification (germline): Uncertain significance. Review status: criteria provided, multiple submitters, no conflicts (2 of 4 stars). 2 submissions from 2 submitters: Uncertain significance (2). Last evaluated 2024-12-16.

Conditions:
Inborn genetic diseases. Identifiers: MedGen C0950123, MeSH D030342.

gnomAD v4.1: 7 of 1,603,810 alleles (0.00044%); highest among the groups gnomAD compares: Admixed American, 0.0084%; 1 homozygote.

Submissions (2):

Ambry Genetics
Classification: Uncertain significance for Inborn genetic diseases. Last evaluated: 2024-12-16. Review status: criteria provided, single submitter. Criteria: Ambry Variant Classification Scheme 2023. Collection method: clinical testing. Allele origin: germline.
Comment: The p.Q853E variant (also known as c.2557C>G), located in coding exon 22 of the ANKRD26 gene, results from a C to G substitution at nucleotide position 2557. The glutamine at codon 853 is replaced by glutamic acid, an amino acid with highly similar properties. This amino acid position is conserved. In addition, this alteration is predicted to be tolerated by in silico analysis. Based on the available evidence, the clinical significance of this variant remains unclear.

Mayo Clinic Laboratories, Mayo Clinic
Classification: Uncertain significance. Last evaluated: 2024-07-23. Review status: criteria provided, single submitter. Criteria: ACMG Guidelines, 2015. Collection method: clinical testing. Allele origin: germline. Observed: 1 variant allele.
Comment: BP4, PM2

NM_014915.3(ANKRD26):c.2557C>G (p.Gln853Glu)

Gene: ANKRD26 (ankyrin repeat domain containing 26; minus strand). Cytogenetic location: 10p12.1.
Variant type: single nucleotide variant.
Coding change: c.2557C>G on transcript NM_014915.3 (MANE Select); coding-DNA position 2557, C replaced by G.
Protein change: p.Gln853Glu; replaces glutamine 853 with glutamic acid.
Molecular consequence: missense variant.
Genome position (GRCh38, 1-based): chr10:27,037,873, G>C on the plus strand (C>G on the coding strand, the complement: ANKRD26 is on the minus strand). VCF-style: chr10-27037873-G-C. GRCh37 (hg19) VCF-style: chr10-27326802-G-C.
Other names: p.Gln853Glu; c.2554C>G, p.Gln852Glu (NM_001256053.2); short protein forms Q852E, Q853E.
Identifiers: ClinVar variation 3379955 (VCV003379955.2).